The following is an entry in ClinVar:

ClinVar aggregate classification (germline): Uncertain significance. Review status: criteria provided, single submitter (1 of 4 stars). 2 submissions from 2 submitters: Uncertain significance (1). 1 of the submissions does not count toward it. Last evaluated 2025-02-19.

Conditions:
Teebi hypertelorism syndrome. Identifiers: Orphanet 1519, MedGen C0796179, MONDO:0030639.
Inborn genetic diseases. Identifiers: MedGen C0950123, MeSH D030342.

Submissions (2):

Ambry Genetics
Classification: Uncertain significance for Inborn genetic diseases. Last evaluated: 2025-02-19. Review status: criteria provided, single submitter. Criteria: Ambry Variant Classification Scheme 2023. Collection method: clinical testing. Allele origin: germline.
Comment: The c.1300G>A (p.E434K) alteration is located in exon 5 (coding exon 3) of the SPECC1L gene. This alteration results from a G to A substitution at nucleotide position 1300, causing the glutamic acid (E) at amino acid position 434 to be replaced by a lysine (K). This variant was not reported in population-based cohorts in the Genome Aggregation Database (gnomAD). This amino acid position is highly conserved in available vertebrate species. The in silico prediction for this alteration is inconclusive. Based on insufficient or conflicting evidence, the clinical significance of this alteration remains unclear.

Dept of Genetics, Assistance Publique-Hôpitaux de Paris (APHP) - R DEBRE University Hospital
Classification: Likely pathogenic for Teebi hypertelorism syndrome 1. Last evaluated: 2018-06-01. Review status: no assertion criteria provided. Collection method: clinical testing. Allele origin: inherited. Affected: yes. Observed: 2 heterozygotes. Segregation with disease observed. Not counted in ClinVar's aggregate classification.

NM_015330.6(SPECC1L):c.1300G>A (p.Glu434Lys)

Genes: SPECC1L (sperm antigen with calponin homology and coiled-coil domains 1 like; plus strand), SPECC1L-ADORA2A (SPECC1L-ADORA2A readthrough (NMD candidate); plus strand). Cytogenetic location: 22q11.23.
Variant type: single nucleotide variant.
Coding change: c.1300G>A on transcript NM_015330.6 (MANE Select); coding-DNA position 1300, G replaced by A.
Protein change: p.Glu434Lys; replaces glutamic acid 434 with lysine.
Molecular consequence: missense variant. On other transcripts: non-coding transcript variant (1).
Genome position (GRCh38, 1-based): chr22:24,322,280, G>A. VCF-style: chr22-24322280-G-A. GRCh37 (hg19) VCF-style: chr22-24718248-G-A.
Other names: c.1300G>A, p.Glu434Lys (NM_001145468.4, NM_001254732.3); c.1300G>A (NM_015330.2); short protein forms E434K.
Identifiers: ClinVar variation 561339 (VCV000561339.4), dbSNP rs1569420632, ClinGen allele CA410968529.
Genomic context (GRCh38, chr22:24,322,280, plus strand): 5'-CTCCAGGCAACCCTGCAAGAGCTAGCTGATTTACAGCAGATTACCCAGGAACTGAATAGT[G>A]AAAACGAAAGGCTTGGAGAAGAGAAGGTTATTCTGATGGAGTCTTTATGTCAGCAGAGCG-3'
Protein context (NP_056145.5, residues 424-444): LQQITQELNS[Glu434Lys]NERLGEEKVI